The following is an entry in ClinVar:

ClinVar aggregate classification (germline): Uncertain significance (1 of 4 stars; one submission).

Conditions:
Early-infantile DEE. Also called: Ohtahara syndrome; Early infantile epileptic encephalopathy with suppression bursts; Early infantile epileptic encephalopathy. Identifiers: Orphanet 1934, MedGen C0393706, MONDO:0800491.

Allele frequency attached by ClinVar (database versions not stated): gnomAD exomes below 0.00001; TOPMed below 0.00001.
gnomAD v4.1: 4 of 1,614,032 alleles (0.00025%); highest among the groups gnomAD compares: Non-Finnish European, 0.00034%; no homozygotes.

Submission:

Labcorp Genetics (formerly Invitae), Labcorp
Classification: Uncertain significance for Early-infantile DEE. Last evaluated: 2022-06-19. Review status: criteria provided, single submitter. Criteria: Invitae Variant Classification Sherloc (09022015). Collection method: clinical testing. Allele origin: germline.
Comment: In summary, the available evidence is currently insufficient to determine the role of this variant in disease. Therefore, it has been classified as a Variant of Uncertain Significance. Algorithms developed to predict the effect of sequence changes on RNA splicing suggest that this variant may disrupt the consensus splice site. This variant has not been reported in the literature in individuals affected with ST3GAL3-related conditions. This variant is not present in population databases (gnomAD no frequency). This sequence change affects codon 132 of the ST3GAL3 mRNA. It is a 'silent' change, meaning that it does not change the encoded amino acid sequence of the ST3GAL3 protein. It affects a nucleotide within the consensus splice site.

NM_006279.5(ST3GAL3):c.396A>G (p.Gln132=)

Gene: ST3GAL3 (ST3 beta-galactoside alpha-2,3-sialyltransferase 3; plus strand). Cytogenetic location: 1p34.1.
Variant type: single nucleotide variant.
Coding change: c.396A>G on transcript NM_006279.5 (MANE Select); coding-DNA position 396, A replaced by G.
Protein change: p.Gln132=; no amino-acid change (glutamine 132 retained).
Molecular consequence: synonymous variant. On other transcripts: non-coding transcript variant (8), intron variant (1).
Genome position (GRCh38, 1-based): chr1:43,894,476, A>G. VCF-style: chr1-43894476-A-G. GRCh37 (hg19) VCF-style: chr1-44360148-A-G.
Other names: c.396A>G, p.Gln132= (NM_001270459.2, NM_001350620.2, NM_174966.4 and 1 more transcripts); c.303A>G, p.Gln101= (NM_001270460.2); c.348A>G, p.Gln116= (NM_001270461.3, NM_001270464.3, NM_174969.4 and 1 more transcripts); c.255A>G, p.Gln85= (NM_001270462.3); c.393A>G, p.Gln131= (NM_001270463.3, NM_001270465.3); c.441A>G, p.Gln147= (NM_001350619.2, NM_174964.4, NM_174965.4); c.117A>G, p.Gln39= (NM_001350621.2); c.558A>G, p.Gln186= (NM_001363573.2, NM_174968.5); and 3 more.
Identifiers: ClinVar variation 1424726 (VCV001424726.9), dbSNP rs1558764772, ClinGen allele CA417513464.